The following is an entry in ClinVar:

ClinVar aggregate classification (germline): Uncertain significance (1 of 4 stars; one submission).

Conditions:
Renal cell carcinoma. Identifiers: Orphanet 217071, MedGen C0007134, MeSH D002292, MONDO:0005086, HP:0005584.

Submission:

Labcorp Genetics (formerly Invitae), Labcorp
Classification: Uncertain significance for Renal cell carcinoma. Last evaluated: 2024-06-04. Review status: criteria provided, single submitter. Criteria: Invitae Variant Classification Sherloc (09022015). Collection method: clinical testing. Allele origin: germline.
Comment: This sequence change replaces glutamic acid, which is acidic and polar, with aspartic acid, which is acidic and polar, at codon 815 of the MET protein (p.Glu815Asp). This variant is not present in population databases (gnomAD no frequency). This variant has not been reported in the literature in individuals affected with MET-related conditions. Advanced modeling of protein sequence and biophysical properties (such as structural, functional, and spatial information, amino acid conservation, physicochemical variation, residue mobility, and thermodynamic stability) performed at Invitae indicates that this missense variant is not expected to disrupt MET protein function with a negative predictive value of 80%. In summary, the available evidence is currently insufficient to determine the role of this variant in disease. Therefore, it has been classified as a Variant of Uncertain Significance.

NM_000245.4(MET):c.2391G>T (p.Glu797Asp)

Gene: MET (MET proto-oncogene, receptor tyrosine kinase; plus strand). Cytogenetic location: 7q31.2.
Variant type: single nucleotide variant.
Coding change: c.2391G>T on transcript NM_000245.4 (MANE Select); coding-DNA position 2391, G replaced by T.
Protein change: p.Glu797Asp; replaces glutamic acid 797 with aspartic acid.
Molecular consequence: missense variant.
Genome position (GRCh38, 1-based): chr7:116,763,076, G>T. VCF-style: chr7-116763076-G-T. GRCh37 (hg19) VCF-style: chr7-116403130-G-T.
Other names: c.2445G>T, p.Glu815Asp (NM_001127500.3); c.2391G>T, p.Glu797Asp (NM_001324401.3); c.1101G>T, p.Glu367Asp (NM_001324402.2); short protein forms E367D, E797D, E815D.
Identifiers: ClinVar variation 3708248 (VCV003708248.2).